The following is an entry in ClinVar:

NM_006648.4(WNK2):c.6228G>C (p.Lys2076Asn)

Gene: WNK2 (WNK lysine deficient protein kinase 2; plus strand). Cytogenetic location: 9q22.31.
Variant type: single nucleotide variant.
Coding change: c.6228G>C on transcript NM_006648.4 (MANE Select); coding-DNA position 6228, G replaced by C.
Protein change: p.Lys2076Asn; replaces lysine 2076 with asparagine.
Molecular consequence: missense variant.
Genome position (GRCh38, 1-based): chr9:93,306,790, G>C. VCF-style: chr9-93306790-G-C. GRCh37 (hg19) VCF-style: chr9-96069072-G-C.
Other names: c.6339G>C, p.Lys2113Asn (NM_001282394.3); short protein forms K2076N, K2113N.
Identifiers: ClinVar variation 3817214 (VCV003817214.1).

ClinVar aggregate classification (germline): Uncertain significance (1 of 4 stars; one submission).

gnomAD v4.1: 1 of 1,613,944 alleles (0.000062%); highest among the groups gnomAD compares: African/African-American, 0.0013%; no homozygotes.

Submission:

Ambry Genetics
Classification: Uncertain significance. Last evaluated: 2025-03-05. Review status: criteria provided, single submitter. Criteria: Ambry Variant Classification Scheme 2023. Collection method: clinical testing. Allele origin: germline.
Comment: The p.K2076N variant (also known as c.6228G>C), located in coding exon 26 of the WNK2 gene, results from a G to C substitution at nucleotide position 6228. The lysine at codon 2076 is replaced by asparagine, an amino acid with similar properties. This amino acid position is conserved. In addition, this alteration is predicted to be tolerated by in silico analysis. Based on the available evidence, the clinical significance of this variant remains unclear.